The following is an entry in ClinVar:

ClinVar aggregate classification (germline): Uncertain significance (1 of 4 stars; one submission).

Conditions:
Ehlers-Danlos syndrome, type 4 (EDSVASC). Also called: Ehlers-Danlos syndrome vascular type; Ehlers Danlos syndrome, ecchymotic type; Ehlers Danlos syndrome, arterial type; Ehlers Danlos syndrome, Sack-Barabas type; Ehlers-Danlos Syndrome Type IV. Identifiers: Orphanet 286, MedGen C0268338, MONDO:0017314, OMIM 130050.

Allele frequency attached by ClinVar (database versions not stated): gnomAD 0.00001.

Submission:

Labcorp Genetics (formerly Invitae), Labcorp
Classification: Uncertain significance for Ehlers-Danlos syndrome, type 4. Last evaluated: 2024-10-19. Review status: criteria provided, single submitter. Criteria: Invitae Variant Classification Sherloc (09022015). Collection method: clinical testing. Allele origin: germline.
Comment: This sequence change replaces alanine, which is neutral and non-polar, with threonine, which is neutral and polar, at codon 950 of the COL3A1 protein (p.Ala950Thr). This variant is present in population databases (no rsID available, gnomAD 0.01%). This missense change has been observed in individual(s) with clinical features of COL3A1-related conditions (internal data). ClinVar contains an entry for this variant (Variation ID: 459779). Invitae Evidence Modeling of protein sequence and biophysical properties (such as structural, functional, and spatial information, amino acid conservation, physicochemical variation, residue mobility, and thermodynamic stability) indicates that this missense variant is not expected to disrupt COL3A1 protein function with a negative predictive value of 95%. In summary, the available evidence is currently insufficient to determine the role of this variant in disease. Therefore, it has been classified as a Variant of Uncertain Significance.

NM_000090.4(COL3A1):c.2848G>A (p.Ala950Thr)

Gene: COL3A1 (collagen type III alpha 1 chain; plus strand). Cytogenetic location: 2q32.2.
Variant type: single nucleotide variant.
Coding change: c.2848G>A on transcript NM_000090.4 (MANE Select); coding-DNA position 2848, G replaced by A.
Protein change: p.Ala950Thr; replaces alanine 950 with threonine.
Molecular consequence: missense variant.
Genome position (GRCh38, 1-based): chr2:189,004,281, G>A. VCF-style: chr2-189004281-G-A. GRCh37 (hg19) VCF-style: chr2-189869007-G-A.
Other names: short protein forms A950T.
Identifiers: ClinVar variation 459779 (VCV000459779.9), dbSNP rs1170896025, ClinGen allele CA349844490.